The following is an entry in ClinVar:

NM_000214.3(JAG1):c.3199+5G>T

Gene: JAG1 (jagged canonical Notch ligand 1; minus strand). Cytogenetic location: 20p12.2.
Variant type: single nucleotide variant.
Coding change: c.3199+5G>T on transcript NM_000214.3 (MANE Select); 5 bases into the intron after coding-DNA position 3199, G replaced by T.
Molecular consequence: intron variant.
Genome position (GRCh38, 1-based): chr20:10,640,778, C>A on the plus strand (G>T on the coding strand, the complement: JAG1 is on the minus strand). VCF-style: chr20-10640778-C-A. GRCh37 (hg19) VCF-style: chr20-10621426-C-A.
Identifiers: ClinVar variation 4710231 (VCV004710231.2).

ClinVar aggregate classification (germline): Uncertain significance. Review status: criteria provided, multiple submitters, no conflicts (2 of 4 stars). 2 submissions from 2 submitters: Uncertain significance (2). Last evaluated 2026-03-19.

Conditions:
Alagille syndrome due to a JAG1 point mutation. Also called: HEPATIC DUCTULAR HYPOPLASIA, SYNDROMATIC; Alagille Syndrome 1; JAG1-Related Alagille Syndrome. Identifiers: Orphanet 261619, Orphanet 52, MedGen C1956125, MONDO:0016862, OMIM 118450.

gnomAD v4.1: 1 of 1,614,078 alleles (0.000062%); highest among the groups gnomAD compares: South Asian, 0.0011%; no homozygotes.

Submissions (2):

GeneDx
Classification: Uncertain significance. Last evaluated: 2026-03-19. Review status: criteria provided, single submitter. Criteria: GeneDx Variant Classification Process June 2021. Collection method: clinical testing. Allele origin: germline.
Comment: Not observed at significant frequency in large population cohorts (gnomAD); Has not been previously published as pathogenic or benign to our knowledge; In silico analysis suggests this variant may impact gene splicing. In the absence of RNA/functional studies, the actual effect of this sequence change is unknown.

Labcorp Genetics (formerly Invitae), Labcorp
Classification: Uncertain significance for Alagille syndrome due to a JAG1 point mutation. Last evaluated: 2025-10-10. Review status: criteria provided, single submitter. Criteria: Invitae Variant Classification Sherloc (09022015). Collection method: clinical testing. Allele origin: germline.
Comment: This sequence change falls in intron 25 of the JAG1 gene. It does not directly change the encoded amino acid sequence of the JAG1 protein. It affects a nucleotide within the consensus splice site. The frequency data for this variant in the population databases is considered unreliable, as metrics indicate poor data quality at this position in the gnomAD database. This variant has not been reported in the literature in individuals affected with JAG1-related conditions. Variants that disrupt the consensus splice site are a relatively common cause of aberrant splicing (PMID: 17576681, 9536098). Algorithms developed to predict the effect of sequence changes on RNA splicing suggest that this variant is not likely to affect RNA splicing. In summary, the available evidence is currently insufficient to determine the role of this variant in disease. Therefore, it has been classified as a Variant of Uncertain Significance.

Literature cited by the submitters: PubMed 17576681 (cited by Labcorp Genetics (formerly Invitae), Labcorp); PubMed 9536098 (cited by Labcorp Genetics (formerly Invitae), Labcorp).